The following is an entry in ClinVar:

ClinVar aggregate classification (germline): Uncertain significance (1 of 4 stars; one submission).

Conditions:
Hypertrophic cardiomyopathy 14. Identifiers: MedGen C2750467, MONDO:0013197, OMIM 613251.

Submission:

Labcorp Genetics (formerly Invitae), Labcorp
Classification: Uncertain significance for Hypertrophic cardiomyopathy 14. Last evaluated: 2019-11-07. Review status: criteria provided, single submitter. Criteria: Invitae Variant Classification Sherloc (09022015). Collection method: clinical testing. Allele origin: germline.
Comment: The current clinical and genetic evidence is not sufficient to establish whether loss-of-function variants in MYH6 cause disease. In summary, the available evidence is currently insufficient to determine the role of this variant in disease. Therefore, it has been classified as a Variant of Uncertain Significance. This variant has not been reported in the literature in individuals with MYH6-related conditions. This variant is not present in population databases (ExAC no frequency). This sequence change creates a premature translational stop signal (p.Ala12Argfs*13) in the MYH6 gene. It is expected to result in an absent or disrupted protein product.

NM_002471.4(MYH6):c.33del (p.Ala12fs)

Genes: MYH6 (myosin heavy chain 6; minus strand), LOC114827851 (VISTA enhancer hs2155; plus strand). Cytogenetic location: 14q11.2.
Variant type: Deletion.
Coding change: c.33del on transcript NM_002471.4 (MANE Select); coding-DNA position 33, one base deleted (A; older notation c.33delA).
Protein change: p.Ala12fs; shifts the reading frame from alanine 12.
Molecular consequence: frameshift variant.
Genome position (GRCh38, 1-based): chr14:23,407,191, T deleted on the plus strand (A on the coding strand, the reverse complement: MYH6 is on the minus strand). VCF-style (leftmost placement, unchanged base first): chr14-23407190-CT-C. GRCh37 (hg19) VCF-style: chr14-23876399-CT-C.
Other names: short protein forms A12fs.
Identifiers: ClinVar variation 961480 (VCV000961480.7), dbSNP rs1891817183, ClinGen allele CA1139663368.
Genomic context (GRCh38, chr14:23,407,190, plus strand): 5'-CAAAGGGCCGGGTCTGGGCCTCTAGACGCTCCTTCTCTGACTTGCGGAGGTACTGGGCCG[CT>C]GCCCCAAAGTCAGCCATCTGGGCATCGGTCATCTTGGTGCTTCCCCTGGGTCAGAGACAG-3'